The following is an entry in ClinVar:

ClinVar aggregate classification (germline): Uncertain significance (1 of 4 stars; one submission).

Allele frequency attached by ClinVar (database versions not stated): TOPMed below 0.00001; gnomAD 0.00001.
gnomAD v4.1: 1 of 1,613,964 alleles (0.000062%); highest among the groups gnomAD compares: Non-Finnish European, 0.000085%; no homozygotes.

Submission:

Labcorp Genetics (formerly Invitae), Labcorp
Classification: Uncertain significance. Last evaluated: 2022-07-17. Review status: criteria provided, single submitter. Criteria: Invitae Variant Classification Sherloc (09022015). Collection method: clinical testing. Allele origin: germline.
Comment: This sequence change replaces aspartic acid, which is acidic and polar, with asparagine, which is neutral and polar, at codon 441 of the ZMPSTE24 protein (p.Asp441Asn). This variant is not present in population databases (gnomAD no frequency). This variant has not been reported in the literature in individuals affected with ZMPSTE24-related conditions. Algorithms developed to predict the effect of missense changes on protein structure and function are either unavailable or do not agree on the potential impact of this missense change (SIFT: "Not Available"; PolyPhen-2: "Possibly Damaging"; Align-GVGD: "Not Available"). In summary, the available evidence is currently insufficient to determine the role of this variant in disease. Therefore, it has been classified as a Variant of Uncertain Significance.

NM_005857.5(ZMPSTE24):c.1321G>A (p.Asp441Asn)

Gene: ZMPSTE24 (zinc metallopeptidase STE24; plus strand). Cytogenetic location: 1p34.2.
Variant type: single nucleotide variant.
Coding change: c.1321G>A on transcript NM_005857.5 (MANE Select); coding-DNA position 1321, G replaced by A.
Protein change: p.Asp441Asn; replaces aspartic acid 441 with asparagine.
Molecular consequence: missense variant.
Genome position (GRCh38, 1-based): chr1:40,292,562, G>A. VCF-style: chr1-40292562-G-A. GRCh37 (hg19) VCF-style: chr1-40758234-G-A.
Other names: short protein forms D441N.
Identifiers: ClinVar variation 2017969 (VCV002017969.4), dbSNP rs1643854737, ClinGen allele CA339872421.